The following is an entry in ClinVar:

ClinVar aggregate classification (germline): Likely benign (1 of 4 stars; one submission).

Submission:

GeneDx
Classification: Likely benign. Last evaluated: 2016-10-27. Review status: criteria provided, single submitter. Criteria: GeneDx Variant Classification (06012015). Collection method: clinical testing. Allele origin: germline. Affected: yes.
Comment: This variant is considered likely benign or benign based on one or more of the following criteria: it is a conservative change, it occurs at a poorly conserved position in the protein, it is predicted to be benign by multiple in silico algorithms, and/or has population frequency not consistent with disease.

NM_015120.4(ALMS1):c.-45C>G

Gene: ALMS1 (ALMS1 centrosome and basal body associated protein; plus strand). Cytogenetic location: 2p13.1.
Variant type: single nucleotide variant.
Coding change: c.-45C>G on transcript NM_015120.4; 45 bases upstream of the start codon, C replaced by G.
Molecular consequence: 5 prime UTR variant.
Genome position (GRCh38, 1-based): chr2:73,385,824, C>G. VCF-style: chr2-73385824-C-G. GRCh37 (hg19) VCF-style: chr2-73612952-C-G.
Identifiers: ClinVar variation 390301 (VCV000390301.3), dbSNP rs539250179, ClinGen allele CA16604255.